The following is an entry in ClinVar:

NM_005477.3(HCN4):c.2701G>A (p.Ala901Thr)

Gene: HCN4 (hyperpolarization activated cyclic nucleotide gated potassium channel 4; minus strand). Cytogenetic location: 15q24.1.
Variant type: single nucleotide variant.
Coding change: c.2701G>A on transcript NM_005477.3 (MANE Select); coding-DNA position 2701, G replaced by A.
Protein change: p.Ala901Thr; replaces alanine 901 with threonine.
Molecular consequence: missense variant.
Genome position (GRCh38, 1-based): chr15:73,323,392, C>T on the plus strand (G>A on the coding strand, the complement: HCN4 is on the minus strand). VCF-style: chr15-73323392-C-T. GRCh37 (hg19) VCF-style: chr15-73615733-C-T.
Other names: short protein forms A901T.
Identifiers: ClinVar variation 404120 (VCV000404120.24), dbSNP rs201742383, ClinGen allele CA7648968.

ClinVar aggregate classification (germline): Conflicting classifications of pathogenicity. Review status: criteria provided, conflicting classifications (1 of 4 stars). 5 submissions from 5 submitters: Uncertain significance (2); Benign (1); Likely benign (2). Last evaluated 2026-01-27.

Conditions:
Cardiovascular phenotype. Identifiers: MedGen CN230736.
Brugada syndrome 8 (BRGDA8). Identifiers: Orphanet 130, MedGen C2751083, MONDO:0013148, OMIM 613123.
Sick sinus syndrome 2, autosomal dominant (SSS2). Also called: SINUS BRADYCARDIA SYNDROME, FAMILIAL, AUTOSOMAL DOMINANT; SINUS NODE DISEASE, FAMILIAL, AUTOSOMAL DOMINANT; ATRIAL FIBRILLATION WITH BRADYARRHYTHMIA; SICK SINUS SYNDROME 2; SICK SINUS SYNDROME 2 WITH OR WITHOUT CARDIAC NONCOMPACTION AND/OR ASCENDING AORTA DILATION. Identifiers: Orphanet 166282, MedGen C1834144, MONDO:0008102, OMIM 163800.

Allele frequency attached by ClinVar (database versions not stated): gnomAD 0.00012 and 0.00013; gnomAD exomes 0.00013 and 0.00045; TOPMed 0.00015; ExAC 0.00026; 1000 Genomes Project 0.00040; 1000 Genomes Project 30x 0.00047.
gnomAD v4.1: 651 of 1,590,128 alleles (0.041%); highest among the groups gnomAD compares: Non-Finnish European, 0.052%; 1 homozygote.

Submissions (5):

Labcorp Genetics (formerly Invitae), Labcorp
Classification: Likely benign for Brugada syndrome 8. Last evaluated: 2026-01-27. Review status: criteria provided, single submitter. Criteria: Invitae Variant Classification Sherloc (09022015). Collection method: clinical testing. Allele origin: germline.

Ambry Genetics
Classification: Uncertain significance for Cardiovascular phenotype. Last evaluated: 2025-08-10. Review status: criteria provided, single submitter. Criteria: Ambry Variant Classification Scheme 2023. Collection method: clinical testing. Allele origin: germline.

Blueprint Genetics
Classification: Likely benign. Last evaluated: 2024-09-05. Review status: criteria provided, single submitter. Criteria: ACMG Guidelines, 2015. Collection method: clinical testing. Allele origin: germline.

GeneDx
Classification: Uncertain significance. Last evaluated: 2024-06-06. Review status: criteria provided, single submitter. Criteria: GeneDx Variant Classification Process June 2021. Collection method: clinical testing. Allele origin: germline. Affected: yes.
Comment: Has not been previously published as pathogenic or benign to our knowledge; In silico analysis indicates that this missense variant does not alter protein structure/function

Illumina Laboratory Services, Illumina
Classification: Benign for Sick sinus syndrome 2, autosomal dominant. Last evaluated: 2018-01-13. Review status: criteria provided, single submitter. Criteria: ICSL Variant Classification Criteria 13 December 2019. Collection method: clinical testing. Allele origin: germline.
Comment: This variant was observed in the ICSL laboratory as part of a predisposition screen in an ostensibly healthy population. It had not been previously curated by ICSL or reported in the Human Gene Mutation Database (HGMD: prior to June 1st, 2018), and was therefore a candidate for classification through an automated scoring system. Utilizing variant allele frequency, disease prevalence and penetrance estimates, and inheritance mode, an automated score was calculated to assess if this variant is too frequent to cause the disease. Based on the score and internal cut-off values, a variant classified as benign is not then subjected to further curation. The score for this variant resulted in a classification of benign for this disease.